The following is an entry in ClinVar:

NM_145868.2(ANXA11):c.654G>A (p.Thr218=)

Gene: ANXA11 (annexin A11; minus strand). Cytogenetic location: 10q22.3.
Variant type: single nucleotide variant.
Coding change: c.654G>A on transcript NM_145868.2 (MANE Select); coding-DNA position 654, G replaced by A.
Protein change: p.Thr218=; no amino-acid change (threonine 218 retained).
Molecular consequence: synonymous variant.
Genome position (GRCh38, 1-based): chr10:80,166,980, C>T on the plus strand (G>A on the coding strand, the complement: ANXA11 is on the minus strand). VCF-style: chr10-80166980-C-T. GRCh37 (hg19) VCF-style: chr10-81926736-C-T.
Other names: c.654G>A (NM_145869.1, NM_001157.2); c.654G>A, p.Thr218= (NM_001157.3, NM_001278407.2, NM_001278408.2 and 1 more transcripts); c.555G>A, p.Thr185= (NM_001278409.2).
Identifiers: ClinVar variation 1499369 (VCV001499369.9), dbSNP rs200066001, ClinGen allele CA5576188.

ClinVar aggregate classification (germline): Likely benign. Review status: criteria provided, single submitter (1 of 4 stars). 2 submissions from 2 submitters: Likely benign (1). 1 of the submissions does not count toward it. Last evaluated 2025-02-20.

Conditions:
Amyotrophic lateral sclerosis type 23. Identifiers: MedGen C4693381, MONDO:0027694, OMIM 617839.
ANXA11-related disorder. Also called: ANXA11-related condition.

Allele frequency attached by ClinVar (database versions not stated): gnomAD exomes 0.00004; TOPMed 0.00005; gnomAD 0.00006; ExAC 0.00008.
gnomAD v4.1: 113 of 1,592,798 alleles (0.0071%); highest among the groups gnomAD compares: Non-Finnish European, 0.009%; no homozygotes.

Submissions (2):

Labcorp Genetics (formerly Invitae), Labcorp
Classification: Likely benign. Last evaluated: 2025-02-20. Review status: criteria provided, single submitter. Criteria: Invitae Variant Classification Sherloc (09022015). Collection method: clinical testing. Allele origin: germline.

PreventionGenetics, part of Exact Sciences
Classification: Likely benign for ANXA11-related condition. Last evaluated: 2022-12-01. Review status: no assertion criteria provided. Collection method: clinical testing. Allele origin: germline. Not counted in ClinVar's aggregate classification.
Comment: This variant is classified as likely benign based on ACMG/AMP sequence variant interpretation guidelines (Richards et al. 2015 PMID: 25741868, with internal and published modifications).